The following is an entry in ClinVar:

ClinVar aggregate classification (germline): Uncertain significance (1 of 4 stars; one submission).

Submission:

Labcorp Genetics (formerly Invitae), Labcorp
Classification: Uncertain significance. Last evaluated: 2021-07-25. Review status: criteria provided, single submitter. Criteria: Invitae Variant Classification Sherloc (09022015). Collection method: clinical testing. Allele origin: germline.
Comment: In summary, the available evidence is currently insufficient to determine the role of this variant in disease. Therefore, it has been classified as a Variant of Uncertain Significance. Algorithms developed to predict the effect of missense changes on protein structure and function (SIFT, PolyPhen-2, Align-GVGD) all suggest that this variant is likely to be tolerated. This variant has not been reported in the literature in individuals affected with SCN3A-related conditions. This variant is not present in population databases (ExAC no frequency). This sequence change replaces valine with alanine at codon 327 of the SCN3A protein (p.Val327Ala). The valine residue is moderately conserved and there is a small physicochemical difference between valine and alanine.

NM_006922.4(SCN3A):c.980T>C (p.Val327Ala)

Gene: SCN3A (sodium voltage-gated channel alpha subunit 3; minus strand). Cytogenetic location: 2q24.3.
Variant type: single nucleotide variant.
Coding change: c.980T>C on transcript NM_006922.4 (MANE Select); coding-DNA position 980, T replaced by C.
Protein change: p.Val327Ala; replaces valine 327 with alanine.
Molecular consequence: missense variant.
Genome position (GRCh38, 1-based): chr2:165,162,359, A>G on the plus strand (T>C on the coding strand, the complement: SCN3A is on the minus strand). VCF-style: chr2-165162359-A-G. GRCh37 (hg19) VCF-style: chr2-166018869-A-G.
Other names: c.980T>C, p.Val327Ala (NM_001081676.2, NM_001081677.2); short protein forms V327A.
Identifiers: ClinVar variation 1369650 (VCV001369650.8), dbSNP rs2105889077, ClinGen allele CA349238796.